The following is an entry in ClinVar:

ClinVar aggregate classification (germline): Benign/Likely benign. Review status: criteria provided, multiple submitters, no conflicts (2 of 4 stars). 7 submissions from 7 submitters: Benign (5); Likely benign (1). 1 of the submissions does not count toward it. Last evaluated 2026-02-03.

Conditions:
Autoimmune lymphoproliferative syndrome type 2A (ALPS2A). Also called: CASP10-Related Autoimmune Lymphoproliferative Syndrome; AUTOIMMUNE LYMPHOPROLIFERATIVE SYNDROME, TYPE IIA; Autoimmune lymphoproliferative syndrome type 2. Identifiers: Orphanet 3261, MedGen C1858968, MONDO:0011383, OMIM 603909.

Allele frequency attached by ClinVar (database versions not stated): 1000 Genomes Project 30x 0.01249; gnomAD 0.02789 and 0.02926; ExAC 0.02949; TOPMed 0.02446; 1000 Genomes Project 0.01278; ESP Exome Variant Server 0.02714; gnomAD exomes 0.02961 and 0.03734.

Submissions (7):

Labcorp Genetics (formerly Invitae), Labcorp
Classification: Benign for Autoimmune lymphoproliferative syndrome type 2A. Last evaluated: 2026-02-03. Review status: criteria provided, single submitter. Criteria: Invitae Variant Classification Sherloc (09022015). Collection method: clinical testing. Allele origin: germline.

Blueprint Genetics
Classification: Likely benign. Last evaluated: 2024-11-26. Review status: criteria provided, single submitter. Criteria: ACMG Guidelines, 2015. Collection method: clinical testing. Allele origin: germline.

Mayo Clinic Laboratories, Mayo Clinic
Classification: Benign. Last evaluated: 2023-06-06. Review status: criteria provided, single submitter. Criteria: ACMG Guidelines, 2015. Collection method: clinical testing. Allele origin: germline. Observed: 48 variant alleles.
Comment: BS1, BS2, BP4

GeneDx
Classification: Benign. Last evaluated: 2020-03-24. Review status: criteria provided, single submitter. Criteria: GeneDx Variant Classification Process June 2021. Collection method: clinical testing. Allele origin: germline. Affected: yes.
Comment: This variant is associated with the following publications: (PMID: 31309545, 16537120, 26323380, 16446975, 17999750)

Illumina Laboratory Services, Illumina
Classification: Benign for Autoimmune lymphoproliferative syndrome type 2A. Last evaluated: 2018-03-06. Review status: criteria provided, single submitter. Criteria: ICSL Variant Classification Criteria 13 December 2019. Collection method: clinical testing. Allele origin: germline.
Comment: This variant was observed in the ICSL laboratory as part of a predisposition screen in an ostensibly healthy population. It had not been previously curated by ICSL or reported in the Human Gene Mutation Database (HGMD: prior to June 1st, 2018), and was therefore a candidate for classification through an automated scoring system. Utilizing variant allele frequency, disease prevalence and penetrance estimates, and inheritance mode, an automated score was calculated to assess if this variant is too frequent to cause the disease. Based on the score and internal cut-off values, a variant classified as benign is not then subjected to further curation. The score for this variant resulted in a classification of benign for this disease.

Breakthrough Genomics
Classification: Benign. Review status: criteria provided, single submitter. Criteria: ACMG Guidelines, 2015. Collection method: not provided. Allele origin: germline. Inheritance: Autosomal dominant inheritance. Affected: yes.

GeneReviews
No classification provided. Condition: Autoimmune lymphoproliferative syndrome type 2A. Review status: no classification provided. Collection method: literature only. Allele origin: germline. Not counted in ClinVar's aggregate classification.

Literature cited by the submitters: PubMed 17999750 (cited by Mayo Clinic Laboratories, Mayo Clinic); PubMed 26323380 (cited by Mayo Clinic Laboratories, Mayo Clinic); PubMed 31309545 (cited by Mayo Clinic Laboratories, Mayo Clinic); PubMed 16446975 (cited by GeneReviews).

NM_032977.4(CASP10):c.1337A>G (p.Tyr446Cys)

Gene: CASP10 (caspase 10; plus strand). Cytogenetic location: 2q33.1.
Variant type: single nucleotide variant.
Coding change: c.1337A>G on transcript NM_032977.4 (MANE Select); coding-DNA position 1337, A replaced by G.
Protein change: p.Tyr446Cys; replaces tyrosine 446 with cysteine.
Molecular consequence: missense variant. On other transcripts: 3 prime UTR variant (1).
Genome position (GRCh38, 1-based): chr2:201,209,484, A>G. VCF-style: chr2-201209484-A-G. GRCh37 (hg19) VCF-style: chr2-202074207-A-G.
Other names: c.1136A>G, p.Tyr379Cys (NM_001206524.2); c.1208A>G, p.Tyr403Cys (NM_001206542.2, NM_001230.5); c.1337A>G, p.Tyr446Cys (NM_032974.5); c.*423A>G (NM_032976.4); short protein forms Y446C, Y403C, Y379C.
Identifiers: ClinVar variation 21728 (VCV000021728.22), dbSNP rs17860405, ClinGen allele CA342419.